The following is an entry in ClinVar:

NM_020800.3(IFT80):c.1093A>G (p.Thr365Ala)

Genes: TRIM59-IFT80 (TRIM59-IFT80 readthrough (NMD candidate); minus strand), IFT80 (intraflagellar transport 80; minus strand). Cytogenetic location: 3q25.33.
Variant type: single nucleotide variant.
Coding change: c.1093A>G on transcript NM_020800.3 (MANE Select); coding-DNA position 1093, A replaced by G.
Protein change: p.Thr365Ala; replaces threonine 365 with alanine.
Molecular consequence: missense variant. On other transcripts: non-coding transcript variant (3).
Genome position (GRCh38, 1-based): chr3:160,303,973, T>C on the plus strand (A>G on the coding strand, the complement: IFT80 is on the minus strand). VCF-style: chr3-160303973-T-C. GRCh37 (hg19) VCF-style: chr3-160021761-T-C.
Other names: c.682A>G, p.Thr228Ala (NM_001190241.2, NM_001190242.2); short protein forms T365A, T228A.
Identifiers: ClinVar variation 406217 (VCV000406217.22), dbSNP rs140202230, ClinGen allele CA2685255.

ClinVar aggregate classification (germline): Conflicting classifications of pathogenicity. Review status: criteria provided, conflicting classifications (1 of 4 stars). 9 submissions from 7 submitters: Pathogenic (1); Likely pathogenic (2); Uncertain significance (1). 5 of the submissions do not count toward it. Last evaluated 2026-02-02.

Conditions:
Jeune thoracic dystrophy. Also called: Short-rib thoracic dysplasia; Jeune syndrome; Infantile thoracic dystrophy; Thoracic pelvic phalangeal dystrophy; Jeune's syndrome; Chondroectodermal dysplasia-like syndrome. Identifiers: Orphanet 474, MedGen C0265275, MONDO:0018770.
IFT80-related skeletal disorders.
IFT80-related disorder. Also called: IFT80-related condition.
Type IV short rib polydactyly syndrome (SRTD12). Also called: Short rib-polydactyly syndrome type 4; SRPS type 4; Short rib-polydactyly syndrome Beemer type; Beemer-Langer syndrome; SHORT RIB SYNDROME, BEEMER TYPE; SRPS IV. Identifiers: Orphanet 93268, MedGen C0432198, MONDO:0010024, OMIM 269860.
Asphyxiating thoracic dystrophy 2 (SRTD2). Also called: SHORT-RIB THORACIC DYSPLASIA 2 WITH OR WITHOUT POLYDACTYLY; SHORT-RIB THORACIC DYSPLASIA 2 WITH POLYDACTYLY; SHORT-RIB THORACIC DYSPLASIA 2 WITHOUT POLYDACTYLY. Identifiers: Orphanet 474, MedGen C1970005, MONDO:0012644, OMIM 611263.

Allele frequency attached by ClinVar (database versions not stated): 1000 Genomes Project 30x 0.00016; 1000 Genomes Project 0.00020; gnomAD 0.00021 and 0.00023; ExAC 0.00006; TOPMed 0.00028; gnomAD exomes 0.00006; ESP Exome Variant Server 0.00015.
gnomAD v4.1: 66 of 1,610,068 alleles (0.0041%); highest among the groups gnomAD compares: African/African-American, 0.085%; no homozygotes.

Submissions (9):

Labcorp Genetics (formerly Invitae), Labcorp
Classification: Pathogenic for Jeune thoracic dystrophy. Last evaluated: 2026-02-02. Review status: criteria provided, single submitter. Criteria: Invitae Variant Classification Sherloc (09022015). Collection method: clinical testing. Allele origin: germline.
Comment: This sequence change replaces threonine, which is neutral and polar, with alanine, which is neutral and non-polar, at codon 365 of the IFT80 protein (p.Thr365Ala). This variant is present in population databases (rs140202230, gnomAD 0.09%). This missense change has been observed in individual(s) with clinical features of short-rib polydactyly syndrome or asphyxiating thoracic dystrophy (PMID: 29068549; external communication, internal data). In at least one individual the data is consistent with being in trans (on the opposite chromosome) from a pathogenic variant. ClinVar contains an entry for this variant (Variation ID: 406217). Invitae Evidence Modeling of protein sequence and biophysical properties (such as structural, functional, and spatial information, amino acid conservation, physicochemical variation, residue mobility, and thermodynamic stability) indicates that this missense variant is not expected to disrupt IFT80 protein function with a negative predictive value of 95%. For these reasons, this variant has been classified as Pathogenic.

Rady Children's Institute for Genomic Medicine, Rady Children's Hospital San Diego
Classification: Likely pathogenic for IFT80-related skeletal disorders. Last evaluated: 2025-11-19. Review status: criteria provided, single submitter. Criteria: ACMG Guidelines, 2015. Collection method: clinical testing. Allele origin: germline. Affected: yes.
Comment: The c.1093A>G (p.Thr365Ala) variant affects a highly conserved amino acid; however, in silico tools used to predict the effect of this variant on protein function yield discordant results. This variant has been previously reported in unconfirmed phase with other variants in patients that displayed symptoms consistent with IFT80-related skeletal disorders (PMID: 29068549, external communication). The c.1093A>G (p.Thr365Ala) variant is present in the latest version of the gnomAD population database at an allele frequency of of 0.004% (66/1610068), and is absent in the homozygous state, thus is presumed to be rare. Based on the available evidence, c.1093A>G (p.Thr365Ala) is classified as Likely Pathogenic.

GeneDx
Classification: Likely pathogenic. Last evaluated: 2025-09-12. Review status: criteria provided, single submitter. Criteria: GeneDx Variant Classification Process June 2021. Collection method: clinical testing. Allele origin: germline.
Comment: In silico analysis supports that this missense variant has a deleterious effect on protein structure/function; This variant is associated with the following publications: (PMID: 29068549, 30767363)

ARUP Laboratories, Molecular Genetics and Genomics, ARUP Laboratories
Classification: Uncertain significance for Asphyxiating thoracic dystrophy 2. Last evaluated: 2023-05-04. Review status: criteria provided, single submitter. Criteria: ARUP Molecular Germline Variant Investigation Process 2024. Collection method: clinical testing. Allele origin: germline.
Comment: The IFT80 c.1093A>G; p.Thr365Ala variant (rs140202230) was reported as compound heterozygous with another disease-associated variant in two individuals affected with short-rib polydactyly syndrome type IV or asphyxiating thoracic dystrophy (Zhang 2018). However, phasing was not confirmed in these reports. This variant is also reported in ClinVar (Variation ID: 406217) and is found in the general population with an overall allele frequency of 0.008% (23/282,476 alleles) in the Genome Aggregation Database. Computational analyses are uncertain whether this variant is neutral or deleterious (REVEL: 0.492). However, given the lack of clinical and functional data, the significance of the p.Thr365Ala variant is uncertain at this time. References: Zhang et al. Expanding the genetic architecture and phenotypic spectrum in the skeletal ciliopathies. Hum Mutat. 2018 Jan;39(1):152-166. PMID: 29068549.

PreventionGenetics, part of Exact Sciences
Classification: Likely pathogenic for IFT80-related condition. Last evaluated: 2024-07-12. Review status: no assertion criteria provided. Collection method: clinical testing. Allele origin: germline. Not counted in ClinVar's aggregate classification.
Comment: The IFT80 c.1093A>G variant is predicted to result in the amino acid substitution p.Thr365Ala. This variant along with a second variant in the IFT80 gene has been reported in two patients with asphyxiating thoracic dystrophy and perinatal lethal short-rib polydactyly syndromes, respectively (Table S2, Zhang et al. 2018. PubMed ID: 29068549). This variant is reported in 0.092% of alleles in individuals of African descent in gnomAD. This variant is interpreted as likely pathogenic.

Dan Cohn Lab, University Of California Los Angeles
Classification: Pathogenic for Asphyxiating thoracic dystrophy. Last evaluated: 2017-06-01. Review status: no assertion criteria provided. Collection method: research. Allele origin: unknown. Affected: yes. Not counted in ClinVar's aggregate classification.

Dan Cohn Lab, University Of California Los Angeles
Classification: Pathogenic for Type IV short rib polydactyly syndrome. Last evaluated: 2017-06-01. Review status: no assertion criteria provided. Collection method: research. Allele origin: unknown. Affected: yes. Not counted in ClinVar's aggregate classification.

University of Washington Center for Mendelian Genomics, University of Washington
Classification: Likely pathogenic for asphyxiating thoracic dystrophy. Review status: no assertion criteria provided. Collection method: research. Allele origin: inherited. Affected: yes. Not counted in ClinVar's aggregate classification.

University of Washington Center for Mendelian Genomics, University of Washington
Classification: Likely pathogenic for short-rib polydactyly syndrome type IV. Review status: no assertion criteria provided. Collection method: research. Allele origin: inherited. Affected: yes. Not counted in ClinVar's aggregate classification.

Literature cited by the submitters: PubMed 29068549 (cited by 4 submitters).